The following is an entry in ClinVar:

NM_001386298.1(CIC):c.3036_3037insC (p.Glu1013fs)

Gene: CIC (capicua transcriptional repressor; plus strand). Cytogenetic location: 19q13.2.
Variant type: Insertion.
Coding change: c.3036_3037insC on transcript NM_001386298.1 (MANE Select); coding-DNA positions 3036 to 3037, C inserted.
Protein change: p.Glu1013fs; shifts the reading frame from glutamic acid 1013.
Molecular consequence: frameshift variant.
Genome position: GRCh38 VCF-style: chr19-42287097-T-TC. GRCh37 (hg19) VCF-style: chr19-42791249-T-TC.
Other names: c.3036_3037insC, p.Glu1013fs (NM_001304815.2, NM_001379480.1, NM_001379482.1); c.309_310insC, p.Glu104fs (NM_001379484.1, NM_001379485.1, NM_015125.5); short protein forms E104fs, E1013fs.
Identifiers: ClinVar variation 451627 (VCV000451627.2), dbSNP rs1555765151, ClinGen allele CA658658820.

ClinVar aggregate classification (germline): Likely pathogenic (1 of 4 stars; one submission).

Submission:

GeneDx
Classification: Likely pathogenic. Last evaluated: 2017-09-12. Review status: criteria provided, single submitter. Criteria: GeneDx Variant Classification (06012015). Collection method: clinical testing. Allele origin: germline. Affected: yes.
Comment: The c.309_310insC variant in the CIC gene has not been reported previously as a pathogenic variant, nor as a benign variant, to our knowledge. The c.309_310insC variant causes a frameshift starting with codon Glutamic acid 104, changes this amino acid to an Arginine residue, and creates a premature Stop codon at position 18 of the new reading frame, denoted p.Glu104ArgfsX18. This variant is predicted to cause loss of normal protein function either through protein truncation or nonsense-mediated mRNA decay. The c.309_310insC variant is not observed in large population cohorts (Lek et al., 2016; 1000 Genomes Consortium et al., 2015; Exome Variant Server). We interpret c.309_310insC as a likely pathogenic variant.